The following is an entry in ClinVar:

NM_001386135.1(AFF3):c.1678G>T (p.Ala560Ser)

Gene: AFF3 (ALF transcription elongation factor 3; minus strand). Cytogenetic location: 2q11.2.
Variant type: single nucleotide variant.
Coding change: c.1678G>T on transcript NM_001386135.1 (MANE Select); coding-DNA position 1678, G replaced by T.
Protein change: p.Ala560Ser; replaces alanine 560 with serine.
Molecular consequence: missense variant.
Genome position (GRCh38, 1-based): chr2:99,593,983, C>A on the plus strand (G>T on the coding strand, the complement: AFF3 is on the minus strand). VCF-style: chr2-99593983-C-A. GRCh37 (hg19) VCF-style: chr2-100210445-C-A.
Other names: c.1753G>T, p.Ala585Ser (NM_001025108.2); c.1678G>T, p.Ala560Ser (NM_002285.3); short protein forms A560S, A585S.
Identifiers: ClinVar variation 3341352 (VCV003341352.1).

ClinVar aggregate classification (germline): Uncertain significance (1 of 4 stars; one submission).

Conditions:
KINSSHIP syndrome. Also called: MESOMELIC DYSPLASIA, STEICHEN-GERSDORF TYPE; MESOMELIC DYSPLASIA, AFF3-RELATED. Identifiers: MedGen C5543317, MONDO:0851095, OMIM 619297.

gnomAD v4.1: 5 of 1,516,358 alleles (0.00033%); highest among the groups gnomAD compares: South Asian, 0.0054%; no homozygotes.

Submission:

Neuberg Centre For Genomic Medicine, NCGM
Classification: Uncertain significance for KINSSHIP syndrome. Last evaluated: 2023-05-20. Review status: criteria provided, single submitter. Criteria: ACMG Guidelines, 2015. Collection method: clinical testing. Allele origin: germline. Inheritance: Autosomal dominant inheritance. Affected: yes.
Comment: The observed missense variant c.1678G>T (p.Ala560Ser) in AFF3 gene has not been reported previously as a pathogenic variant nor as a benign variant, to our knowledge. The p.Ala560Ser variant has allele frequency 0% in gnomAD Exomes. This variant has not been submitted to the ClinVar database. Multiple lines of computational evidence (Polyphen - Benign, SIFT - Tolerated and Mutation Taster - Polymorphism) predict no damaging effect on protein structure and function for this variant. The amino acid change p.Ala560Ser in AFF3 is predicted as conserved by GERP++. The amino acid Ala at position 560 is changed to a Ser changing protein sequence and it might alter its composition and physico-chemical properties. For these reasons, this variant has been classified as Variant of Uncertain Significance (VUS).